The following is an entry in ClinVar:

ClinVar aggregate classification (germline): Uncertain significance (1 of 4 stars; one submission).

gnomAD v4.1: 1,126 of 1,613,826 alleles (0.07%); highest among the groups gnomAD compares: Middle Eastern, 0.38%; 2 homozygotes.

Submission:

Mayo Clinic Laboratories, Mayo Clinic
Classification: Uncertain significance. Last evaluated: 2023-09-28. Review status: criteria provided, single submitter. Criteria: ACMG Guidelines, 2015. Collection method: clinical testing. Allele origin: germline. Observed: 1 variant allele.
Comment: PM2_moderate

NM_012088.3(PGLS):c.427G>A (p.Asp143Asn)

Gene: PGLS (6-phosphogluconolactonase; plus strand). Cytogenetic location: 19p13.11.
Variant type: single nucleotide variant.
Coding change: c.427G>A on transcript NM_012088.3 (MANE Select); coding-DNA position 427, G replaced by A.
Protein change: p.Asp143Asn; replaces aspartic acid 143 with asparagine.
Molecular consequence: missense variant.
Genome position (GRCh38, 1-based): chr19:17,517,318, G>A. VCF-style: chr19-17517318-G-A. GRCh37 (hg19) VCF-style: chr19-17628127-G-A.
Other names: p.Asp143Asn; short protein forms D143N.
Identifiers: ClinVar variation 3380600 (VCV003380600.1).